The following is an entry in ClinVar:

ClinVar aggregate classification (germline): Likely benign. Review status: criteria provided, multiple submitters, no conflicts (2 of 4 stars). 3 submissions from 3 submitters: Likely benign (3). Last evaluated 2025-12-17.

Conditions:
Wilson disease (WND). Also called: Wilson's disease. Identifiers: Orphanet 905, MedGen C0019202, MONDO:0010200, OMIM 277900. Disease mechanism: loss of function.

gnomAD v4.1: 4 of 1,613,586 alleles (0.00025%); highest among the groups gnomAD compares: South Asian, 0.0011%; no homozygotes.

Submissions (3):

Labcorp Genetics (formerly Invitae), Labcorp
Classification: Likely benign for Wilson disease. Last evaluated: 2025-12-17. Review status: criteria provided, single submitter. Criteria: Invitae Variant Classification Sherloc (09022015). Collection method: clinical testing. Allele origin: germline.

All of Us Research Program, National Institutes of Health
Classification: Likely benign for Wilson disease. Last evaluated: 2023-12-18. Review status: criteria provided, single submitter. Criteria: ACMG Guidelines, 2015. Collection method: clinical testing. Allele origin: germline. Inheritance: Autosomal recessive inheritance. Observed: 4 variant alleles, 4 heterozygotes.
Comment: This study involves interpretation of variants in research participants for the purpose of population health screening. Participant phenotype was not available at the time of variant classification. Additional details can be found in publication PMID: 35346344, PMCID: PMC8962531

Color Diagnostics, LLC DBA Color Health
Classification: Likely benign for Wilson disease. Last evaluated: 2022-08-18. Review status: criteria provided, single submitter. Criteria: ACMG Guidelines, 2015. Collection method: clinical testing. Allele origin: germline.

NM_000053.4(ATP7B):c.4125-15G>A

Gene: ATP7B (ATPase copper transporting beta; minus strand). Cytogenetic location: 13q14.3.
Variant type: single nucleotide variant.
Coding change: c.4125-15G>A on transcript NM_000053.4 (MANE Select); 15 bases into the intron before coding-DNA position 4125, G replaced by A.
Molecular consequence: intron variant.
Genome position (GRCh38, 1-based): chr13:51,935,044, C>T on the plus strand (G>A on the coding strand, the complement: ATP7B is on the minus strand). VCF-style: chr13-51935044-C-T. GRCh37 (hg19) VCF-style: chr13-52509180-C-T.
Other names: c.3792-15G>A (NM_001243182.2); c.3504-15G>A (NM_001005918.3); c.3873-15G>A (NM_001330579.2); c.3891-15G>A (NM_001330578.2).
Identifiers: ClinVar variation 2144455 (VCV002144455.5), dbSNP rs1299442769, ClinGen allele CA610425709.